The following is an entry in ClinVar:

NM_001077415.3(CRELD1):c.1247TCA[1] (p.Ile417del)

Gene: CRELD1 (cysteine rich with EGF like domains 1; plus strand). Cytogenetic location: 3p25.3.
Variant type: Microsatellite.
Coding change: c.1247TCA[1] on transcript NM_001077415.3 (MANE Select); one copy of the 3-base unit TCA starting at c.1247; the reference has two copies in a row; one copy, 3 bases deleted.
Protein change: p.Ile417del; deletes isoleucine 417.
Molecular consequence: inframe deletion. On other transcripts: 3 prime UTR variant (4), non-coding transcript variant (3).
Genome position (GRCh38, 1-based): chr3:9,944,566-9,944,568, TCA deleted; deleting any 3 consecutive bases within chr3:9,944,563-9,944,568 gives the same sequence; the position shown is the placement nearest the transcript's 3' end. VCF-style (leftmost placement, unchanged base first): chr3-9944562-TTCA-T. GRCh37 (hg19) VCF-style: chr3-9986246-TTCA-T.
Other names: c.*172TCA[1] (NM_001031717.4, NM_001374317.1, NM_001374318.1); c.1247TCA[1], p.Ile417del (NM_001374316.1, NM_015513.6); c.1163TCA[1], p.Ile389del (NM_001374319.1, NM_001374320.1); c.*812TCA[1] (NM_001410713.1); short protein forms I389del, I417del.
Identifiers: ClinVar variation 3776483 (VCV003776483.1).

ClinVar aggregate classification (germline): Uncertain significance (1 of 4 stars; one submission).

Submission:

GeneDx
Classification: Uncertain significance. Last evaluated: 2024-10-01. Review status: criteria provided, single submitter. Criteria: GeneDx Variant Classification Process June 2021. Collection method: clinical testing. Allele origin: germline. Affected: yes.
Comment: Not observed at significant frequency in large population cohorts (gnomAD); In-frame deletion of 1 amino acid in a non-repeat region; In silico analysis supports a deleterious effect on protein structure/function; Has not been previously published as pathogenic or benign to our knowledge